The following is an entry in ClinVar:

NM_000944.5(PPP3CA):c.1433G>A (p.Arg478Gln)

Gene: PPP3CA (protein phosphatase 3 catalytic subunit alpha; minus strand). Cytogenetic location: 4q24.
Variant type: single nucleotide variant.
Coding change: c.1433G>A on transcript NM_000944.5 (MANE Select); coding-DNA position 1433, G replaced by A.
Protein change: p.Arg478Gln; replaces arginine 478 with glutamine.
Molecular consequence: missense variant.
Genome position (GRCh38, 1-based): chr4:101,025,998, C>T on the plus strand (G>A on the coding strand, the complement: PPP3CA is on the minus strand). VCF-style: chr4-101025998-C-T. GRCh37 (hg19) VCF-style: chr4-101947155-C-T.
Other names: c.1403G>A, p.Arg468Gln (NM_001130691.2); c.1277G>A, p.Arg426Gln (NM_001130692.2); short protein forms R468Q, R426Q, R478Q.
Identifiers: ClinVar variation 1494884 (VCV001494884.7), dbSNP rs368195162, ClinGen allele CA102969036.

ClinVar aggregate classification (germline): Uncertain significance. Review status: criteria provided, multiple submitters, no conflicts (2 of 4 stars). 2 submissions from 2 submitters: Uncertain significance (2). Last evaluated 2025-11-21.

Conditions:
Developmental and epileptic encephalopathy 91. Also called: EPILEPTIC ENCEPHALOPATHY, INFANTILE OR EARLY CHILDHOOD, 1. Identifiers: MedGen C4540199, MONDO:0020630, OMIM 617711.
Arthrogryposis, cleft palate, craniosynostosis, and impaired intellectual development. Identifiers: Orphanet 565858, MedGen C4748872, MONDO:0032642, OMIM 618265.

Allele frequency attached by ClinVar (database versions not stated): gnomAD exomes below 0.00001; TOPMed below 0.00001; gnomAD 0.00001; ESP Exome Variant Server 0.00008.
gnomAD v4.1: 4 of 1,613,590 alleles (0.00025%); highest among the groups gnomAD compares: Non-Finnish European, 0.00034%; no homozygotes.

Submissions (2):

Labcorp Genetics (formerly Invitae), Labcorp
Classification: Uncertain significance. Last evaluated: 2025-11-21. Review status: criteria provided, single submitter. Criteria: Invitae Variant Classification Sherloc (09022015). Collection method: clinical testing. Allele origin: germline.
Comment: This sequence change replaces arginine, which is basic and polar, with glutamine, which is neutral and polar, at codon 478 of the PPP3CA protein (p.Arg478Gln). This variant is not present in population databases (gnomAD no frequency). This missense change has been observed in individual(s) with clinical features of PPP3CA-related conditions (internal data). ClinVar contains an entry for this variant (Variation ID: 1494884). Invitae Evidence Modeling of protein sequence and biophysical properties (such as structural, functional, and spatial information, amino acid conservation, physicochemical variation, residue mobility, and thermodynamic stability) indicates that this missense variant is not expected to disrupt PPP3CA protein function with a negative predictive value of 80%. In summary, the available evidence is currently insufficient to determine the role of this variant in disease. Therefore, it has been classified as a Variant of Uncertain Significance.

Fulgent Genetics
Classification: Uncertain significance for Developmental and epileptic encephalopathy 91; Arthrogryposis, cleft palate, craniosynostosis, and impaired intellectual development. Last evaluated: 2022-03-08. Review status: criteria provided, single submitter. Criteria: ACMG Guidelines, 2015. Collection method: clinical testing. Allele origin: unknown.